The following is an entry in ClinVar:

ClinVar aggregate classification (germline): Pathogenic. Review status: criteria provided, multiple submitters, no conflicts (2 of 4 stars). 2 submissions from 2 submitters: Pathogenic (2). Last evaluated 2020-08-19.

Conditions:
Familial thoracic aortic aneurysm and aortic dissection (TAAD). Also called: Thoracic aortic aneurysms and dissections. Identifiers: Orphanet 91387, MedGen C4707243, MONDO:0019625.

Submissions (2):

Ambry Genetics
Classification: Pathogenic for Familial thoracic aortic aneurysm and aortic dissection. Last evaluated: 2020-08-19. Review status: criteria provided, single submitter. Criteria: Ambry Variant Classification Scheme 2023. Collection method: clinical testing. Allele origin: germline.
Comment: The p.G486V pathogenic mutation (also known as c.1457G>T), located in coding exon 21 of the COL3A1 gene, results from a G to T substitution at nucleotide position 1457. The glycine at codon 486 is replaced by valine, an amino acid with dissimilar properties. The majority (approximately two-thirds) of COL3A1 mutations identified to date have involved the substitution of another amino acid for glycine within the triple-helical domain (Schwarze U et al. Am J Hum Genet. 1997;61(6):1276-1286; Pepin MG et al. Genet Med. 2014;16(12):881-8; Frank M et al. Eur J Hum Genet. 2015; 23(12):1657-64). This particular glycine variant was detected in one individual reported to have a clinical diagnosis of vascular Ehlers-Danlos syndrome (Frank M et al. Eur J Hum Genet. 2015; 23(12):1657-64). Internal structural analysis has demonstrated that this alteration disrupts the characteristic G-X-Y motif in the COL3A1 protein, inserting a bulky side chain into a sterically constrained region (Bella J et al. Science. 1994;266:75-81; Hohenester E et al. Proc. Natl. Acad. Sci. U.S.A. 2008;105:18273-7). This variant was not reported in population-based cohorts in the Genome Aggregation Database (gnomAD). This amino acid position is highly conserved in available vertebrate species. In addition, this alteration is predicted to be deleterious by in silico analysis. Based on the supporting evidence, this alteration is interpreted as a disease-causing mutation.

CeGaT Center for Human Genetics Tuebingen
Classification: Pathogenic. Last evaluated: 2018-10-01. Review status: criteria provided, single submitter. Criteria: CeGaT Center For Human Genetics Tuebingen Variant Classification Criteria Version 2. Collection method: clinical testing. Allele origin: germline. Affected: yes. Observed: 5 variant alleles.

Literature cited by the submitters: PubMed 25758994 (cited by Ambry Genetics); PubMed 30474650 (cited by Ambry Genetics); PubMed 30919682 (cited by Ambry Genetics).

NM_000090.4(COL3A1):c.1457G>T (p.Gly486Val)

Gene: COL3A1 (collagen type III alpha 1 chain; plus strand). Cytogenetic location: 2q32.2.
Variant type: single nucleotide variant.
Coding change: c.1457G>T on transcript NM_000090.4 (MANE Select); coding-DNA position 1457, G replaced by T.
Protein change: p.Gly486Val; replaces glycine 486 with valine.
Molecular consequence: missense variant.
Genome position (GRCh38, 1-based): chr2:188,995,047, G>T. VCF-style: chr2-188995047-G-T. GRCh37 (hg19) VCF-style: chr2-189859773-G-T.
Other names: short protein forms G486V.
Identifiers: ClinVar variation 872592 (VCV000872592.43), dbSNP rs1688274077, ClinGen allele CA349851974.
Genomic context (GRCh38, chr2:188,995,047, plus strand): 5'-AATTATGAAAAAGAATTGAAATCCTTTGGACTGAAATACTTGTCTTTCATTATTTTCAGG[G>T]TGCCCCTGGGTTCCGAGGACCTGCTGGACCAAATGGCATCCCAGGAGAAAAGGTAGATAA-3'
Protein context (NP_000081.2, residues 476-496): NGLPGAAGER[Gly486Val]APGFRGPAGP